The following is an entry in ClinVar:

ClinVar aggregate classification (germline): Likely benign. Review status: criteria provided, multiple submitters, no conflicts (2 of 4 stars). 2 submissions from 2 submitters: Likely benign (2). Last evaluated 2025-01-05.

Conditions:
Hereditary spastic paraplegia 3A (SPG3A). Also called: SPASTIC PARAPLEGIA 3, AUTOSOMAL DOMINANT; FAMILIAL SPASTIC PARAPLEGIA, AUTOSOMAL DOMINANT, 1; SPG3; STRUMPELL DISEASE; Spastic Paraplegia 3A; Spastic paraplegia 3A, autosomal dominant. Identifiers: Orphanet 100984, MedGen C2931355, MONDO:0008437, OMIM 182600.

Allele frequency attached by ClinVar (database versions not stated): TOPMed 0.00002.
gnomAD v4.1: 25 of 1,613,646 alleles (0.0015%); highest among the groups gnomAD compares: Non-Finnish European, 0.0019%; no homozygotes.

Submissions (2):

Labcorp Genetics (formerly Invitae), Labcorp
Classification: Likely benign for Hereditary spastic paraplegia 3A. Last evaluated: 2025-01-05. Review status: criteria provided, single submitter. Criteria: Invitae Variant Classification Sherloc (09022015). Collection method: clinical testing. Allele origin: germline.

GeneDx
Classification: Likely benign. Last evaluated: 2017-12-12. Review status: criteria provided, single submitter. Criteria: GeneDx Variant Classification (06012015). Collection method: clinical testing. Allele origin: germline. Affected: yes.
Comment: This variant is considered likely benign or benign based on one or more of the following criteria: it is a conservative change, it occurs at a poorly conserved position in the protein, it is predicted to be benign by multiple in silico algorithms, and/or has population frequency not consistent with disease.

NM_015915.5(ATL1):c.34+16G>A

Genes: ATL1 (atlastin GTPase 1; plus strand), MAP4K5 (mitogen-activated protein kinase kinase kinase kinase 5; minus strand). Cytogenetic location: 14q22.1.
Variant type: single nucleotide variant.
Coding change: c.34+16G>A on transcript NM_015915.5 (MANE Select); 16 bases into the intron after coding-DNA position 34, G replaced by A.
Molecular consequence: intron variant.
Genome position (GRCh38, 1-based): chr14:50,560,315, G>A. VCF-style: chr14-50560315-G-A. GRCh37 (hg19) VCF-style: chr14-51027033-G-A.
Other names: c.34+16G>A (NM_001127713.1, NM_181598.4).
Identifiers: ClinVar variation 513999 (VCV000513999.4), dbSNP rs368925590, ClinGen allele CA613871824.